The following is an entry in ClinVar:

NM_001330260.2(SCN8A):c.3267C>A (p.Asn1089Lys)

Gene: SCN8A (sodium voltage-gated channel alpha subunit 8; plus strand). Cytogenetic location: 12q13.13.
Variant type: single nucleotide variant.
Coding change: c.3267C>A on transcript NM_001330260.2 (MANE Select); coding-DNA position 3267, C replaced by A.
Protein change: p.Asn1089Lys; replaces asparagine 1089 with lysine.
Molecular consequence: missense variant.
Genome position (GRCh38, 1-based): chr12:51,769,230, C>A. VCF-style: chr12-51769230-C-A. GRCh37 (hg19) VCF-style: chr12-52163014-C-A.
Other names: c.3267C>A, p.Asn1089Lys (NM_001177984.3, NM_001369788.1, NM_014191.4); short protein forms N1089K.
Identifiers: ClinVar variation 522699 (VCV000522699.53), dbSNP rs761386688, ClinGen allele CA6571568.

ClinVar aggregate classification (germline): Conflicting classifications of pathogenicity. Review status: criteria provided, conflicting classifications (1 of 4 stars). 4 submissions from 4 submitters: Likely pathogenic (1); Uncertain significance (3). Last evaluated 2026-01-21.

Conditions:
Developmental and epileptic encephalopathy, 13 (DEE13). Also called: Early infantile epileptic encephalopathy 13; SCN8A-Related Epilepsy; Developmental and Epileptic Encephalopathy (SCN8A-DEE). Identifiers: Orphanet 442835, MedGen C3281191, MONDO:0013801, OMIM 614558.
Early-infantile DEE. Also called: Early infantile epileptic encephalopathy; Early infantile epileptic encephalopathy with suppression bursts; Ohtahara syndrome. Identifiers: Orphanet 1934, MedGen C0393706, MONDO:0800491.

Allele frequency attached by ClinVar (database versions not stated): ExAC 0.00002; gnomAD exomes 0.00002.
gnomAD v4.1: 13 of 1,614,004 alleles (0.00081%); highest among the groups gnomAD compares: South Asian, 0.0055%; 1 homozygote.

Submissions (4):

Labcorp Genetics (formerly Invitae), Labcorp
Classification: Uncertain significance for Early-infantile DEE. Last evaluated: 2026-01-21. Review status: criteria provided, single submitter. Criteria: Invitae Variant Classification Sherloc (09022015). Collection method: clinical testing. Allele origin: germline.
Comment: This sequence change replaces asparagine, which is neutral and polar, with lysine, which is basic and polar, at codon 1089 of the SCN8A protein (p.Asn1089Lys). This variant is present in population databases (rs761386688, gnomAD 0.003%). This missense change has been observed in individual(s) with SCN8A-related conditions (PMID: 38374194). ClinVar contains an entry for this variant (Variation ID: 522699). Invitae Evidence Modeling of protein sequence and biophysical properties (such as structural, functional, and spatial information, amino acid conservation, physicochemical variation, residue mobility, and thermodynamic stability) indicates that this missense variant is not expected to disrupt SCN8A protein function with a negative predictive value of 95%. In summary, the available evidence is currently insufficient to determine the role of this variant in disease. Therefore, it has been classified as a Variant of Uncertain Significance.

Centre of Medical Genetics, University Hospital Muenster
Classification: Uncertain significance. Last evaluated: 2023-04-18. Review status: criteria provided, single submitter. Criteria: ACMG Guidelines, 2015. Collection method: clinical testing. Allele origin: unknown. Affected: yes. Observed: 1 variant allele, 1 heterozygote.
Comment: ACMG categories: PM2

CeGaT Center for Human Genetics Tuebingen
Classification: Uncertain significance. Last evaluated: 2019-06-01. Review status: criteria provided, single submitter. Criteria: CeGaT Center For Human Genetics Tuebingen Variant Classification Criteria Version 2. Collection method: clinical testing. Allele origin: germline. Affected: yes. Observed: 1 variant allele.

Genomic Research Center, Shahid Beheshti University of Medical Sciences
Classification: Likely pathogenic for Developmental and epileptic encephalopathy, 13. Last evaluated: 2017-12-03. Review status: criteria provided, single submitter. Criteria: ACMG Guidelines, 2015. Collection method: clinical testing. Allele origin: inherited. Affected: yes.

Literature cited by the submitters: PubMed 38374194 (cited by Labcorp Genetics (formerly Invitae), Labcorp).